The following is an entry in ClinVar:

NC_000011.9:g.(?_103325894)_(103349981_?)dup

Gene: DYNC2H1 (dynein cytoplasmic 2 heavy chain 1; plus strand). Cytogenetic location: 11q22.3.
Variant type: Duplication.
Identifiers: ClinVar variation 1399560 (VCV001399560.4).

ClinVar aggregate classification (germline): Uncertain significance (1 of 4 stars; one submission).

Conditions:
Jeune thoracic dystrophy. Also called: Jeune syndrome; Infantile thoracic dystrophy; Thoracic pelvic phalangeal dystrophy; Jeune's syndrome; Chondroectodermal dysplasia-like syndrome; Short-rib thoracic dysplasia. Identifiers: Orphanet 474, MedGen C0265275, MONDO:0018770.

Submission:

Labcorp Genetics (formerly Invitae), Labcorp
Classification: Uncertain significance for Jeune thoracic dystrophy. Last evaluated: 2022-04-19. Review status: criteria provided, single submitter. Criteria: Invitae Variant Classification Sherloc (09022015). Collection method: clinical testing. Allele origin: germline.
Comment: This variant results in a copy number gain of the genomic region encompassing exon(s) 87-90 of the DYNC2H1 gene. This region includes the termination codon of the gene. This copy number gain extends beyond the assayed region for this gene and therefore may encompass additional genes. As the precise location of this event is unknown, it may be in tandem or it may be located elsewhere in the genome. This variant has not been reported in the literature in individuals affected with DYNC2H1-related conditions. Experimental studies and prediction algorithms are not available or were not evaluated, and the functional significance of this variant is currently unknown. In summary, the available evidence is currently insufficient to determine the role of this variant in disease. Therefore, it has been classified as a Variant of Uncertain Significance.